The following is an entry in ClinVar:

ClinVar aggregate classification (germline): Likely pathogenic (1 of 4 stars; one submission).

Conditions:
Hypermethioninemia with deficiency of S-adenosylhomocysteine hydrolase. Identifiers: Orphanet 88618, MedGen C3151058, MONDO:0013404, OMIM 613752.

Allele frequency attached by ClinVar (database versions not stated): gnomAD exomes below 0.00001.
gnomAD v4.1: 5 of 1,613,946 alleles (0.00031%); highest among the groups gnomAD compares: Non-Finnish European, 0.00042%; no homozygotes.

Submission:

Rady Children's Institute for Genomic Medicine, Rady Children's Hospital San Diego
Classification: Likely pathogenic for HYPERMETHIONINEMIA WITH S-ADENOSYLHOMOCYSTEINE HYDROLASE DEFICIENCY. Review status: criteria provided, single submitter. Criteria: ACMG Guidelines, 2015. Collection method: clinical testing. Allele origin: germline. Affected: yes.
Comment: It is absent from the gnomAD population database and thus is presumed to be rare. The c.106C>T (p.Arg36Trp) variant affects a highly conserved amino acid and is predicted by multiple in silico tools to have a deleterious effect on protein function. Based on the available evidence, the c.106C>T (p.Arg36Trp) variant is classified as Likely Pathogenic.

NM_000687.4(AHCY):c.106C>T (p.Arg36Trp)

Gene: AHCY (adenosylhomocysteinase; minus strand). Cytogenetic location: 20q11.22.
Variant type: single nucleotide variant.
Coding change: c.106C>T on transcript NM_000687.4 (MANE Select); coding-DNA position 106, C replaced by T.
Protein change: p.Arg36Trp; replaces arginine 36 with tryptophan.
Molecular consequence: missense variant.
Genome position (GRCh38, 1-based): chr20:34,295,508, G>A on the plus strand (C>T on the coding strand, the complement: AHCY is on the minus strand). VCF-style: chr20-34295508-G-A. GRCh37 (hg19) VCF-style: chr20-32883314-G-A.
Other names: c.22C>T, p.Arg8Trp (NM_001161766.2, NM_001322084.2, NM_001322085.2); c.112C>T, p.Arg38Trp (NM_001322086.2); c.106C>T, p.Arg36Trp (NM_001362750.2); short protein forms R36W, R38W, R8W.
Identifiers: ClinVar variation 2584488 (VCV002584488.1), dbSNP rs2036548764, ClinGen allele CA408660970.